The following is an entry in ClinVar:

ClinVar aggregate classification (germline): Conflicting classifications of pathogenicity. Review status: criteria provided, conflicting classifications (1 of 4 stars). 5 submissions from 5 submitters: Uncertain significance (3); Benign (1); Likely benign (1). Last evaluated 2026-01-26.

Conditions:
Hereditary cancer-predisposing syndrome. Also called: Tumor predisposition; Neoplastic Syndromes, Hereditary; Hereditary Cancer Syndrome; Hereditary neoplastic syndrome. Identifiers: Orphanet 140162, MedGen C0027672, MeSH D009386, MONDO:0015356.
Cardiovascular phenotype. Identifiers: MedGen CN230736.
Neurofibromatosis, type 1 (NF1). Also called: Neurofibromatosis, type I; NEUROFIBROMATOSIS, TYPE I, SOMATIC; Peripheral type neurofibromatosis; VON RECKLINGHAUSEN DISEASE. Identifiers: Orphanet 636, MedGen C0027831, MONDO:0018975, OMIM 162200. Disease mechanism: loss of function.

Allele frequency attached by ClinVar (database versions not stated): gnomAD exomes 0.00003.
gnomAD v4.1: 46 of 1,610,930 alleles (0.0029%); highest among the groups gnomAD compares: Non-Finnish European, 0.0037%; no homozygotes.

Submissions (5):

Labcorp Genetics (formerly Invitae), Labcorp
Classification: Benign for Neurofibromatosis, type 1. Last evaluated: 2026-01-26. Review status: criteria provided, single submitter. Criteria: Invitae Variant Classification Sherloc (09022015). Collection method: clinical testing. Allele origin: germline.

GeneDx
Classification: Uncertain significance. Last evaluated: 2025-07-11. Review status: criteria provided, single submitter. Criteria: GeneDx Variant Classification Process June 2021. Collection method: clinical testing. Allele origin: germline. Affected: yes.
Comment: Not observed at significant frequency in large population cohorts (gnomAD); In silico analysis suggests that this missense variant does not alter protein structure/function; Has not been previously published as pathogenic or benign to our knowledge

Quest Diagnostics Nichols Institute San Juan Capistrano
Classification: Uncertain significance. Last evaluated: 2024-05-14. Review status: criteria provided, single submitter. Criteria: Quest Diagnostics criteria. Collection method: clinical testing. Allele origin: unknown.

Ambry Genetics
Classification: Likely benign for Cardiovascular phenotype; Hereditary cancer-predisposing syndrome. Last evaluated: 2023-11-18. Review status: criteria provided, single submitter. Criteria: Ambry Variant Classification Scheme 2023. Collection method: clinical testing. Allele origin: germline.

Genome-Nilou Lab
Classification: Uncertain significance for Neurofibromatosis, type 1. Last evaluated: 2022-03-15. Review status: criteria provided, single submitter. Criteria: ACMG Guidelines, 2015. Collection method: clinical testing. Allele origin: germline. Affected: no.

Literature cited by the submitters: PubMed 33471991 (cited by Quest Diagnostics Nichols Institute San Juan Capistrano).

NM_001042492.3(NF1):c.3145G>A (p.Val1049Ile)

Gene: NF1 (neurofibromin 1; plus strand). Cytogenetic location: 17q11.2.
Variant type: single nucleotide variant.
Coding change: c.3145G>A on transcript NM_001042492.3 (MANE Select); coding-DNA position 3145, G replaced by A.
Protein change: p.Val1049Ile; replaces valine 1049 with isoleucine.
Molecular consequence: missense variant.
Genome position (GRCh38, 1-based): chr17:31,230,873, G>A. VCF-style: chr17-31230873-G-A. GRCh37 (hg19) VCF-style: chr17-29557891-G-A.
Other names: c.3145G>A, p.Val1049Ile (NM_000267.4); short protein forms V1049I.
Identifiers: ClinVar variation 404555 (VCV000404555.15), dbSNP rs1060500343, ClinGen allele CA16615481.